The following is an entry in ClinVar:

ClinVar aggregate classification (germline): Benign (0 of 4 stars; one submission).

Conditions:
ZNF592-related disorder. Also called: ZNF592-related condition.

Allele frequency attached by ClinVar (database versions not stated): TOPMed 0.00011; gnomAD 0.00040; ExAC 0.00129; 1000 Genomes Project 30x 0.00219; 1000 Genomes Project 0.00260.
gnomAD v4.1: 979 of 1,614,196 alleles (0.061%); highest among the groups gnomAD compares: South Asian, 1%; 10 homozygotes.

Submission:

PreventionGenetics, part of Exact Sciences
Classification: Benign for ZNF592-related condition. Last evaluated: 2019-06-27. Review status: no assertion criteria provided. Collection method: clinical testing. Allele origin: germline.
Comment: This variant is classified as benign based on ACMG/AMP sequence variant interpretation guidelines (Richards et al. 2015 PMID: 25741868, with internal and published modifications).

NM_014630.3(ZNF592):c.379C>A (p.Leu127Met)

Gene: ZNF592 (zinc finger protein 592; plus strand). Cytogenetic location: 15q25.3.
Variant type: single nucleotide variant.
Coding change: c.379C>A on transcript NM_014630.3 (MANE Select); coding-DNA position 379, C replaced by A.
Protein change: p.Leu127Met; replaces leucine 127 with methionine.
Molecular consequence: missense variant.
Genome position (GRCh38, 1-based): chr15:84,783,054, C>A. VCF-style: chr15-84783054-C-A. GRCh37 (hg19) VCF-style: chr15-85326285-C-A.
Other names: short protein forms L127M.
Identifiers: ClinVar variation 3043504 (VCV003043504.2), dbSNP rs199775065, ClinGen allele CA7707989.